The following is an entry in ClinVar:

NM_152309.3(PIK3AP1):c.1489A>G (p.Thr497Ala)

Gene: PIK3AP1 (phosphoinositide-3-kinase adaptor protein 1; minus strand). Cytogenetic location: 10q24.1.
Variant type: single nucleotide variant.
Coding change: c.1489A>G on transcript NM_152309.3 (MANE Select); coding-DNA position 1489, A replaced by G.
Protein change: p.Thr497Ala; replaces threonine 497 with alanine.
Molecular consequence: missense variant.
Genome position (GRCh38, 1-based): chr10:96,626,888, T>C on the plus strand (A>G on the coding strand, the complement: PIK3AP1 is on the minus strand). VCF-style: chr10-96626888-T-C. GRCh37 (hg19) VCF-style: chr10-98386645-T-C.
Other names: short protein forms T497A.
Identifiers: ClinVar variation 1463773 (VCV001463773.8), dbSNP rs770212814, ClinGen allele CA5626231.

ClinVar aggregate classification (germline): Uncertain significance (1 of 4 stars; one submission).

Conditions:
Infantile spasms. Also called: Infantile spasm. Identifiers: MedGen C3887898, HP:0012469.

Allele frequency attached by ClinVar (database versions not stated): gnomAD exomes below 0.00001; TOPMed below 0.00001; ExAC 0.00001.

Submission:

Labcorp Genetics (formerly Invitae), Labcorp
Classification: Uncertain significance for Infantile spasms. Last evaluated: 2022-06-13. Review status: criteria provided, single submitter. Criteria: Invitae Variant Classification Sherloc (09022015). Collection method: clinical testing. Allele origin: germline.
Comment: This sequence change replaces threonine, which is neutral and polar, with alanine, which is neutral and non-polar, at codon 497 of the PIK3AP1 protein (p.Thr497Ala). This variant is present in population databases (rs770212814, gnomAD 0.0009%). This variant has not been reported in the literature in individuals affected with PIK3AP1-related conditions. Algorithms developed to predict the effect of missense changes on protein structure and function output the following: SIFT: "Tolerated"; PolyPhen-2: "Benign"; Align-GVGD: "Class C0". The alanine amino acid residue is found in multiple mammalian species, which suggests that this missense change does not adversely affect protein function. In summary, the available evidence is currently insufficient to determine the role of this variant in disease. Therefore, it has been classified as a Variant of Uncertain Significance.